The following is an entry in ClinVar:

NM_000540.3(RYR1):c.424+5A>G

Gene: RYR1 (ryanodine receptor 1; plus strand). Cytogenetic location: 19q13.2.
Variant type: single nucleotide variant.
Coding change: c.424+5A>G on transcript NM_000540.3 (MANE Select); 5 bases into the intron after coding-DNA position 424, A replaced by G.
Molecular consequence: intron variant.
Genome position (GRCh38, 1-based): chr19:38,443,801, A>G. VCF-style: chr19-38443801-A-G. GRCh37 (hg19) VCF-style: chr19-38934441-A-G.
Other names: c.424+5A>G (NM_001042723.2).
Identifiers: ClinVar variation 3070267 (VCV003070267.1), dbSNP rs2513972563, ClinGen allele CA2825002763.

ClinVar aggregate classification (germline): Uncertain significance (1 of 4 stars; one submission).

Conditions:
Malignant hyperthermia, susceptibility to, 1 (MHS1). Also called: RYR1-Related Malignant Hyperthermia Susceptibility; Anesthesia related hyperthermia; Malignant hyperpyrexia; Fulminating hyperpyrexia; Pharmacogenic myopathy; Malignant hyperthermia suceptibility 1. Identifiers: Orphanet 423, MedGen C2930980, MONDO:0007783, OMIM 145600.

Submission:

All of Us Research Program, National Institutes of Health
Classification: Uncertain significance for Malignant hyperthermia, susceptibility to, 1. Last evaluated: 2023-04-03. Review status: criteria provided, single submitter. Criteria: ACMG Guidelines, 2015. Collection method: clinical testing. Allele origin: germline. Inheritance: Autosomal dominant inheritance. Observed: 1 variant allele, 1 heterozygote.
Comment: This variant causes an A to G nucleotide substitution at the +5 position of intron 5 of the RYR1 gene. To our knowledge, functional studies have not been reported for this variant. This variant has not been reported in individuals affected with RYR1-related disorders in the literature. This variant has not been identified in the general population by the Genome Aggregation Database (gnomAD). The available evidence is insufficient to determine the role of this variant in disease conclusively. Therefore, this variant is classified as a Variant of Uncertain Significance.

This study involves interpretation of variants in research participants for the purpose of population health screening. Participant phenotype was not available at the time of variant classification. Additional details can be found in publication PMID: 35346344, PMCID: PMC8962531